The following is an entry in ClinVar:

ClinVar aggregate classification (germline): Likely benign (1 of 4 stars; one submission).

Allele frequency attached by ClinVar (database versions not stated): 1000 Genomes Project 0.00040; gnomAD 0.00009; gnomAD exomes 0.00011; ExAC 0.00018; 1000 Genomes Project 30x 0.00031.
gnomAD v4.1: 172 of 1,614,184 alleles (0.011%); highest among the groups gnomAD compares: South Asian, 0.11%; 2 homozygotes.

Submission:

CeGaT Center for Human Genetics Tuebingen
Classification: Likely benign. Last evaluated: 2022-11-01. Review status: criteria provided, single submitter. Criteria: CeGaT Center For Human Genetics Tuebingen Variant Classification Criteria Version 2. Collection method: clinical testing. Allele origin: germline. Affected: yes. Observed: 1 variant allele.
Comment: MYO1F: BP4, BP7

NM_012335.4(MYO1F):c.825G>A (p.Gln275=)

Gene: MYO1F (myosin IF; minus strand). Cytogenetic location: 19p13.2.
Variant type: single nucleotide variant.
Coding change: c.825G>A on transcript NM_012335.4 (MANE Select); coding-DNA position 825, G replaced by A.
Protein change: p.Gln275=; no amino-acid change (glutamine 275 retained).
Molecular consequence: synonymous variant.
Genome position (GRCh38, 1-based): chr19:8,550,641, C>T on the plus strand (G>A on the coding strand, the complement: MYO1F is on the minus strand). VCF-style: chr19-8550641-C-T. GRCh37 (hg19) VCF-style: chr19-8615525-C-T.
Other names: c.813G>A, p.Gln271= (NM_001348355.2).
Identifiers: ClinVar variation 2649206 (VCV002649206.24), dbSNP rs563135856, ClinGen allele CA9159522.